The following is an entry in ClinVar:

ClinVar aggregate classification (germline): Likely pathogenic (1 of 4 stars; one submission).

Conditions:
Nizon-Isidor syndrome. Identifiers: MedGen C5394350, MONDO:0030030, OMIM 618872.

Submission:

Greenwood Genetic Center Diagnostic Laboratories, Greenwood Genetic Center
Classification: Likely pathogenic for Nizon-Isidor syndrome. Last evaluated: 2023-09-06. Review status: criteria provided, single submitter. Criteria: ACMG Guidelines, 2015. Collection method: clinical testing. Allele origin: germline. Affected: yes.
Comment: PP3_Strong, PM2

NM_001393769.1(MED12L):c.3664+1G>A

Genes: MED12L (mediator complex subunit 12L; plus strand), P2RY12 (purinergic receptor P2Y12; minus strand). Cytogenetic location: 3q25.1.
Variant type: single nucleotide variant.
Coding change: c.3664+1G>A on transcript NM_001393769.1 (MANE Select); the canonical splice donor site of the intron after coding-DNA position 3664, G replaced by A.
Molecular consequence: splice donor variant. On other transcripts: intron variant (1).
Genome position (GRCh38, 1-based): chr3:151,369,550, G>A. VCF-style: chr3-151369550-G-A. GRCh37 (hg19) VCF-style: chr3-151087338-G-A.
Other names: c.3559+1G>A (NM_053002.6); c.-180+15142C>T (NM_022788.5).
Identifiers: ClinVar variation 2626925 (VCV002626925.1), dbSNP rs2473757305, ClinGen allele CA354971471.
Genomic context (GRCh38, chr3:151,369,550, plus strand): 5'-CTCACAACAGCATTGAAGTGGGAGCCGTGTTTGCTGTCTTAAAAGCAATTATGATGCTTG[G>A]TAAGATTATTCTGACCCTAAGCTTCTTGGTTAATCACCAGAAATGAAGGCAAAATAATTT-3'